The following is an entry in ClinVar:

ClinVar aggregate classification (germline): Conflicting classifications of pathogenicity. Review status: criteria provided, conflicting classifications (1 of 4 stars). 4 submissions from 4 submitters: Pathogenic (2); Uncertain significance (1). 1 of the submissions does not count toward it. Last evaluated 2025-02-18.

Conditions:
Cataract 1 multiple types. Also called: CATARACT 1, NUCLEAR PROGRESSIVE; CATARACT 1 WITH MICROCORNEA; CATARACT 1, MULTIPLE TYPES, WITH OR WITHOUT MICROCORNEA; CATARACT 1, POSTERIOR SUBCAPSULAR, WITH MICROCORNEA; CATARACT 1, STELLATE NUCLEAR, WITH MICROCORNEA; CATARACT, DUFFY-LINKED. Identifiers: Orphanet 1377, MedGen C1861828, MONDO:0007285, OMIM 116200.
Developmental cataract. Also called: Congenital cataract; Bilateral cataracts; Congenital cataracts. Identifiers: MedGen C0009691, HP:0000519.
GJA8-related disorders.

Submissions (4):

Molecular Genetics of Human Eye Development, Oxford Brookes University
Classification: Pathogenic for Cataract 1 multiple types. Last evaluated: 2025-02-18. Review status: criteria provided, single submitter. Criteria: ACMG Guidelines, 2015. Collection method: clinical testing. Allele origin: de novo. Affected: yes. Observed: 1 variant allele.
Comment: The GJA8 c.565C>T; The variant is absent in genomic databases, including gnomAD v4.1, and predicted deleterious/damaging by several in silico prediction tools including SIFT, PolyPhen and AlphaMissense. The variant has been previously reported in patients with congenital eye anomalies (PMID: 21779674). The variant is classified pathogenic using PS1, PS2, PM1, PM2, PP3.

Blueprint Genetics
Classification: Pathogenic for GJA8-related disorders. Last evaluated: 2024-05-04. Review status: criteria provided, single submitter. Criteria: ACMG Guidelines, 2015. Collection method: clinical testing. Allele origin: germline. Affected: yes. Observed: 1 variant allele.

GeneDx
Classification: Uncertain significance. Last evaluated: 2021-01-11. Review status: criteria provided, single submitter. Criteria: GeneDx Variant Classification Process June 2021. Collection method: clinical testing. Allele origin: germline. Affected: yes.
Comment: Not observed in large population cohorts (Lek et al., 2016); In silico analysis supports that this missense variant has a deleterious effect on protein structure/function; Reported in association with hereditary cataracts in published literature; however, patient-specific clinical information not provided (Santana et al., 2011; Pichi et al., 2016); This variant is associated with the following publications: (PMID: 27043388, 21779674)

Dept. Genetics and Cancer, Menzies Institute for Medical Research, University of Tasmania
Classification: Likely pathogenic for Developmental cataract. Last evaluated: 2021-05-01. Review status: no assertion criteria provided. Criteria: ACMG Guidelines, 2015. Collection method: research. Allele origin: germline. Affected: yes. Not counted in ClinVar's aggregate classification.
Comment: PM2, PM5, PP1_supporting, PP3. Absent/near absent from population databases. Variant at an amino acid where a different missense variant was predicted pathogenic (PMID: 17724170). Segregation (supporting) with the disease in the family with â‰¥3 meioses. Multiple predictive tools assessing variant as damaging/pathogenic.

Literature cited by the submitters: PubMed 21779674 (cited by Molecular Genetics of Human Eye Development, Oxford Brookes University).

NM_005267.5(GJA8):c.565C>T (p.Pro189Ser)

Gene: GJA8 (gap junction protein alpha 8; plus strand). Cytogenetic location: 1q21.2.
Variant type: single nucleotide variant.
Coding change: c.565C>T on transcript NM_005267.5 (MANE Select); coding-DNA position 565, C replaced by T.
Protein change: p.Pro189Ser; replaces proline 189 with serine.
Molecular consequence: missense variant.
Genome position (GRCh38, 1-based): chr1:147,908,520, C>T. VCF-style: chr1-147908520-C-T. GRCh37 (hg19) VCF-style: chr1-147380647-C-T.
Other names: c.565C>T (NM_005267.4); short protein forms P189S.
Identifiers: ClinVar variation 1065588 (VCV001065588.8), dbSNP rs2149015924, ClinGen allele CA342224874.